The following is an entry in ClinVar:

ClinVar aggregate classification (germline): Pathogenic (1 of 4 stars; one submission).

Allele frequency attached by ClinVar (database versions not stated): TOPMed below 0.00001; gnomAD 0.00001.
gnomAD v4.1: 1 of 1,613,944 alleles (0.000062%); highest among the groups gnomAD compares: African/African-American, 0.0013%; no homozygotes.

Submission:

Labcorp Genetics (formerly Invitae), Labcorp
Classification: Pathogenic. Last evaluated: 2023-01-24. Review status: criteria provided, single submitter. Criteria: Invitae Variant Classification Sherloc (09022015). Collection method: clinical testing. Allele origin: germline.
Comment: For these reasons, this variant has been classified as Pathogenic. ClinVar contains an entry for this variant (Variation ID: 1393379). This premature translational stop signal has been observed in individual(s) with mitochondrial complex I deficiency (PMID: 31980526). This variant is not present in population databases (gnomAD no frequency). This sequence change creates a premature translational stop signal (p.Arg37*) in the ACAD9 gene. It is expected to result in an absent or disrupted protein product. Loss-of-function variants in ACAD9 are known to be pathogenic (PMID: 25721401).

Literature cited by the submitters: PubMed 31980526; PubMed 25721401.

NM_014049.5(ACAD9):c.109C>T (p.Arg37Ter)

Gene: ACAD9 (acyl-CoA dehydrogenase family member 9; plus strand). Cytogenetic location: 3q21.3.
Variant type: single nucleotide variant.
Coding change: c.109C>T on transcript NM_014049.5 (MANE Select); coding-DNA position 109, C replaced by T.
Protein change: p.Arg37Ter; replaces arginine 37 with a stop codon.
Molecular consequence: nonsense. On other transcripts: non-coding transcript variant (1).
Genome position (GRCh38, 1-based): chr3:128,879,800, C>T. VCF-style: chr3-128879800-C-T. GRCh37 (hg19) VCF-style: chr3-128598643-C-T.
Other names: short protein forms R37*.
Identifiers: ClinVar variation 1393379 (VCV001393379.6), dbSNP rs936842682, ClinGen allele CA82514269.